The following is an entry in ClinVar:

NM_005228.5(EGFR):c.2159C>G (p.Ser720Cys)

Gene: EGFR (epidermal growth factor receptor; plus strand). Cytogenetic location: 7p11.2.
Variant type: single nucleotide variant.
Coding change: c.2159C>G on transcript NM_005228.5 (MANE Select); coding-DNA position 2159, C replaced by G.
Protein change: p.Ser720Cys; replaces serine 720 with cysteine.
Molecular consequence: missense variant.
Genome position (GRCh38, 1-based): chr7:55,174,018, C>G. VCF-style: chr7-55174018-C-G. GRCh37 (hg19) VCF-style: chr7-55241711-C-G.
Other names: c.2024C>G, p.Ser675Cys (NM_001346899.2, NM_001346897.2); c.2000C>G, p.Ser667Cys (NM_001346900.2); c.1358C>G, p.Ser453Cys (NM_001346941.2); c.2159C>G, p.Ser720Cys (NM_001346898.2); short protein forms S667C, S675C, S453C, S720C.
Identifiers: ClinVar variation 1480096 (VCV001480096.8), dbSNP rs772799315, ClinGen allele CA4265983.

ClinVar aggregate classification (germline): Uncertain significance (1 of 4 stars; one submission).

Conditions:
EGFR-related lung cancer (EGFR). Identifiers: MedGen CN130014.

Allele frequency attached by ClinVar (database versions not stated): gnomAD exomes below 0.00001; ExAC 0.00001.
gnomAD v4.1: 4 of 1,614,242 alleles (0.00025%); highest among the groups gnomAD compares: Non-Finnish European, 0.00034%; no homozygotes.

Submission:

Labcorp Genetics (formerly Invitae), Labcorp
Classification: Uncertain significance for EGFR-related lung cancer. Last evaluated: 2021-01-28. Review status: criteria provided, single submitter. Criteria: Invitae Variant Classification Sherloc (09022015). Collection method: clinical testing. Allele origin: germline.
Comment: In summary, the available evidence is currently insufficient to determine the role of this variant in disease. Therefore, it has been classified as a Variant of Uncertain Significance. Algorithms developed to predict the effect of missense changes on protein structure and function are either unavailable or do not agree on the potential impact of this missense change (SIFT: "Tolerated"; PolyPhen-2: "Probably Damaging"; Align-GVGD: "Class C0"). This variant has not been reported in the literature in individuals with EGFR-related conditions. This variant is present in population databases (rs772799315, ExAC 0.001%). This sequence change replaces serine with cysteine at codon 720 of the EGFR protein (p.Ser720Cys). The serine residue is moderately conserved and there is a moderate physicochemical difference between serine and cysteine.